The following is an entry in ClinVar:

NM_005032.7(PLS3):c.1275T>C (p.Asp425=)

Gene: PLS3 (plastin 3; plus strand). Cytogenetic location: Xq23.
Variant type: single nucleotide variant.
Coding change: c.1275T>C on transcript NM_005032.7 (MANE Select); coding-DNA position 1275, T replaced by C.
Protein change: p.Asp425=; no amino-acid change (aspartic acid 425 retained).
Molecular consequence: synonymous variant.
Genome position (GRCh38, 1-based): chrX:115,646,084, T>C. VCF-style: chrX-115646084-T-C. GRCh37 (hg19) VCF-style: chrX-114880404-T-C.
Other names: c.1275T>C, p.Asp425= (NM_001136025.5); c.1194T>C, p.Asp398= (NM_001172335.3); c.1236T>C, p.Asp412= (NM_001282337.2); c.1140T>C, p.Asp380= (NM_001282338.2).
Identifiers: ClinVar variation 1197630 (VCV001197630.12), dbSNP rs148514983, ClinGen allele CA10497047.

ClinVar aggregate classification (germline): Benign/Likely benign. Review status: criteria provided, multiple submitters, no conflicts (2 of 4 stars). 4 submissions from 4 submitters: Benign (1); Likely benign (3). Last evaluated 2025-10-05.

Conditions:
PLS3-related disorder. Also called: PLS3-related condition.

Allele frequency attached by ClinVar (database versions not stated): gnomAD 0.00043 and 0.00046; ExAC 0.00045; ESP Exome Variant Server 0.00047; gnomAD exomes 0.00048 and 0.00049; TOPMed 0.00049.
gnomAD v4.1: 553 of 1,155,324 alleles (0.048%); highest among the groups gnomAD compares: Non-Finnish European, 0.06%; no homozygotes.

Submissions (4):

Labcorp Genetics (formerly Invitae), Labcorp
Classification: Benign. Last evaluated: 2025-10-05. Review status: criteria provided, single submitter. Criteria: Invitae Variant Classification Sherloc (09022015). Collection method: clinical testing. Allele origin: germline.

PreventionGenetics, part of Exact Sciences
Classification: Likely benign for PLS3-related condition. Last evaluated: 2025-05-21. Review status: criteria provided, single submitter. Criteria: ACMG Guidelines, 2015. Collection method: clinical testing. Allele origin: germline.
Comment: This variant is classified as likely benign based on ACMG/AMP sequence variant interpretation guidelines (Richards et al. 2015 PMID: 25741868, with internal and published modifications).

Blueprint Genetics
Classification: Likely benign. Last evaluated: 2024-10-08. Review status: criteria provided, single submitter. Criteria: ACMG Guidelines, 2015. Collection method: clinical testing. Allele origin: germline.

GeneDx
Classification: Likely benign. Last evaluated: 2019-02-27. Review status: criteria provided, single submitter. Criteria: GeneDx Variant Classification Process June 2021. Collection method: clinical testing. Allele origin: germline. Affected: yes.